The following is an entry in ClinVar:

ClinVar aggregate classification (germline): Uncertain significance. Review status: criteria provided, multiple submitters, no conflicts (2 of 4 stars). 2 submissions from 2 submitters: Uncertain significance (2). Last evaluated 2024-04-04.

Conditions:
Inborn genetic diseases. Identifiers: MedGen C0950123, MeSH D030342.

Allele frequency attached by ClinVar (database versions not stated): ExAC 0.00001; gnomAD 0.00001; TOPMed 0.00001; gnomAD exomes 0.00002.
gnomAD v4.1: 46 of 1,607,590 alleles (0.0029%); highest among the groups gnomAD compares: Non-Finnish European, 0.0035%; no homozygotes.

Submissions (2):

Ambry Genetics
Classification: Uncertain significance for Inborn genetic diseases. Last evaluated: 2024-04-04. Review status: criteria provided, single submitter. Criteria: Ambry Variant Classification Scheme 2023. Collection method: clinical testing. Allele origin: germline.

Labcorp Genetics (formerly Invitae), Labcorp
Classification: Uncertain significance. Last evaluated: 2023-08-17. Review status: criteria provided, single submitter. Criteria: Invitae Variant Classification Sherloc (09022015). Collection method: clinical testing. Allele origin: germline.
Comment: ClinVar contains an entry for this variant (Variation ID: 1513982). This sequence change replaces cysteine, which is neutral and slightly polar, with arginine, which is basic and polar, at codon 649 of the MPDZ protein (p.Cys649Arg). This variant is present in population databases (rs776061211, gnomAD 0.003%). This variant has not been reported in the literature in individuals affected with MPDZ-related conditions. An algorithm developed to predict the effect of missense changes on protein structure and function (PolyPhen-2) suggests that this variant is likely to be tolerated. In summary, the available evidence is currently insufficient to determine the role of this variant in disease. Therefore, it has been classified as a Variant of Uncertain Significance.

NM_001378778.1(MPDZ):c.1945T>C (p.Cys649Arg)

Gene: MPDZ (multiple PDZ domain crumbs cell polarity complex component; minus strand). Cytogenetic location: 9p23.
Variant type: single nucleotide variant.
Coding change: c.1945T>C on transcript NM_001378778.1 (MANE Select); coding-DNA position 1945, T replaced by C.
Protein change: p.Cys649Arg; replaces cysteine 649 with arginine.
Molecular consequence: missense variant.
Genome position (GRCh38, 1-based): chr9:13,192,154, A>G on the plus strand (T>C on the coding strand, the complement: MPDZ is on the minus strand). VCF-style: chr9-13192154-A-G. GRCh37 (hg19) VCF-style: chr9-13192153-A-G.
Other names: c.1945T>C, p.Cys649Arg (NM_001261406.2, NM_001261407.2, NM_001330637.2 and 14 more transcripts); c.1945T>C (NM_003829.3); short protein forms C649R.
Identifiers: ClinVar variation 1513982 (VCV001513982.7), dbSNP rs776061211, ClinGen allele CA4987630.